The following is an entry in ClinVar:

ClinVar aggregate classification (germline): Benign/Likely benign. Review status: criteria provided, multiple submitters, no conflicts (2 of 4 stars). 11 submissions from 9 submitters: Benign (7); Likely benign (4). Last evaluated 2026-06-02.

Conditions:
Hereditary cancer-predisposing syndrome. Also called: Neoplastic Syndromes, Hereditary; Hereditary Cancer Syndrome; Tumor predisposition; Hereditary neoplastic syndrome. Identifiers: Orphanet 140162, MedGen C0027672, MeSH D009386, MONDO:0015356.
Gastrointestinal stromal tumor. Also called: Gastrointestinal stromal tumor, somatic; Gastrointestinal stroma tumor. Identifiers: Orphanet 44890, MedGen C0238198, MeSH D046152, MONDO:0011719, OMIM 606764, HP:0100723.
Mastocytosis. Also called: Mast Cell Disease. Identifiers: Orphanet 98292, MedGen C0024899, MONDO:0007950, HP:0100495.
Piebaldism. Also called: Piebald skin depigmentation. Identifiers: Orphanet 2884, MedGen C0080024, MONDO:0008244, OMIM 172800, HP:0007544.

Allele frequency attached by ClinVar (database versions not stated): 1000 Genomes Project 0.01977; TOPMed 0.02020; 1000 Genomes Project 30x 0.02030; ESP Exome Variant Server 0.02137.
gnomAD v4.1: 5,859 of 1,614,180 alleles (0.36%); highest among the groups gnomAD compares: African/African-American, 6.3%; 157 homozygotes.

Submissions (11):

Myriad Genetics, Inc.
Classification: Benign for Gastrointestinal stromal tumor. Last evaluated: 2026-06-02. Review status: criteria provided, single submitter. Criteria: Myriad Autosomal Dominant, Autosomal Recessive and X-Linked Classification Criteria (2023). Collection method: clinical testing. Allele origin: unknown.
Comment: This variant is considered benign. This variant is a silent/synonymous amino acid change and it is not expected to impact splicing.

Labcorp Genetics (formerly Invitae), Labcorp
Classification: Benign for Gastrointestinal stromal tumor. Last evaluated: 2026-02-04. Review status: criteria provided, single submitter. Criteria: Invitae Variant Classification Sherloc (09022015). Collection method: clinical testing. Allele origin: germline.

CeGaT Center for Human Genetics Tuebingen
Classification: Benign. Last evaluated: 2025-04-01. Review status: criteria provided, single submitter. Criteria: CeGaT Center For Human Genetics Tuebingen Variant Classification Criteria Version 2. Collection method: clinical testing. Allele origin: germline. Affected: yes. Observed: 1 variant allele.
Comment: KIT: BP4, BP7, BS1, BS2

KCCC/NGS Laboratory, Kuwait Cancer Control Center
Classification: Benign for Gastrointestinal stromal tumor. Last evaluated: 2023-07-07. Review status: criteria provided, single submitter. Criteria: ACMG Guidelines, 2015. Collection method: clinical testing. Allele origin: germline. Affected: yes.

Ambry Genetics
Classification: Benign for Hereditary cancer-predisposing syndrome. Last evaluated: 2019-05-14. Review status: criteria provided, single submitter. Criteria: Ambry Variant Classification Scheme 2023. Collection method: clinical testing. Allele origin: germline.

GeneDx
Classification: Benign. Last evaluated: 2018-06-22. Review status: criteria provided, single submitter. Criteria: GeneDx Variant Classification Process June 2021. Collection method: clinical testing. Allele origin: germline. Affected: yes.

Illumina Laboratory Services, Illumina
Classification: Likely benign for Gastrointestinal stromal tumor. Last evaluated: 2017-04-27. Review status: criteria provided, single submitter. Criteria: ICSL Variant Classification Criteria 13 December 2019. Collection method: clinical testing. Allele origin: germline.
Comment: This variant was observed as part of a predisposition screen in an ostensibly healthy population. A literature search was performed for the gene, cDNA change, and amino acid change (where applicable). No publications were found based on this search. Allele frequency data from public databases allowed determination this variant is unlikely to cause disease. Therefore, this variant is classified as likely benign.

Illumina Laboratory Services, Illumina
Classification: Likely benign for Piebaldism. Last evaluated: 2017-04-27. Review status: criteria provided, single submitter. Criteria: ICSL Variant Classification Criteria 13 December 2019. Collection method: clinical testing. Allele origin: germline.
Comment: the same text as in the submission from Illumina Laboratory Services, Illumina above.

Illumina Laboratory Services, Illumina
Classification: Likely benign for Cutaneous mastocytosis. Last evaluated: 2017-04-27. Review status: criteria provided, single submitter. Criteria: ICSL Variant Classification Criteria 13 December 2019. Collection method: clinical testing. Allele origin: germline.
Comment: the same text as in the submission from Illumina Laboratory Services, Illumina above.

Breakthrough Genomics
Classification: Likely benign. Review status: criteria provided, single submitter. Criteria: ACMG Guidelines, 2015. Collection method: not provided. Allele origin: germline. Inheritance: Autosomal dominant inheritance. Affected: yes.

PreventionGenetics, part of Exact Sciences
Classification: Benign. Review status: criteria provided, single submitter. Criteria: ACMG Guidelines, 2015. Collection method: clinical testing. Allele origin: germline.

NM_000222.3(KIT):c.252G>T (p.Thr84=)

Gene: KIT (KIT proto-oncogene, receptor tyrosine kinase; plus strand). Cytogenetic location: 4q12.
Variant type: single nucleotide variant.
Coding change: c.252G>T on transcript NM_000222.3 (MANE Select); coding-DNA position 252, G replaced by T.
Protein change: p.Thr84=; no amino-acid change (threonine 84 retained).
Molecular consequence: synonymous variant.
Genome position (GRCh38, 1-based): chr4:54,695,696, G>T. VCF-style: chr4-54695696-G-T. GRCh37 (hg19) VCF-style: chr4-55561862-G-T.
Other names: c.252G>T, p.Thr84= (NM_001093772.2, NM_001385284.1, NM_001385285.1 and 4 more transcripts).
Identifiers: ClinVar variation 220764 (VCV000220764.35), dbSNP rs56411694, ClinGen allele CA349187.